The following is an entry in ClinVar:

ClinVar aggregate classification (germline): Uncertain significance. Review status: criteria provided, multiple submitters, no conflicts (2 of 4 stars). 3 submissions from 3 submitters: Uncertain significance (3). Last evaluated 2025-05-19.

Conditions:
Hereditary cancer-predisposing syndrome. Also called: Neoplastic Syndromes, Hereditary; Tumor predisposition; Hereditary neoplastic syndrome; Hereditary Cancer Syndrome. Identifiers: Orphanet 140162, MedGen C0027672, MeSH D009386, MONDO:0015356.
Familial adenomatous polyposis 1 (FAP1). Also called: POLYPOSIS, ADENOMATOUS INTESTINAL; FAMILIAL ADENOMATOUS POLYPOSIS 1, ATTENUATED. Identifiers: MedGen C2713442, MONDO:0021056, OMIM 175100. Disease mechanism: loss of function.

Allele frequency attached by ClinVar (database versions not stated): gnomAD exomes below 0.00001; ExAC 0.00001.
gnomAD v4.1: 6 of 1,614,042 alleles (0.00037%); highest among the groups gnomAD compares: South Asian, 0.0066%; no homozygotes.

Submissions (3):

Labcorp Genetics (formerly Invitae), Labcorp
Classification: Uncertain significance for Familial adenomatous polyposis 1. Last evaluated: 2025-05-19. Review status: criteria provided, single submitter. Criteria: Invitae Variant Classification Sherloc (09022015). Collection method: clinical testing. Allele origin: germline.
Comment: This sequence change replaces alanine, which is neutral and non-polar, with valine, which is neutral and non-polar, at codon 2257 of the APC protein (p.Ala2257Val). This variant is present in population databases (rs762330941, gnomAD 0.003%). This variant has not been reported in the literature in individuals affected with APC-related conditions. ClinVar contains an entry for this variant (Variation ID: 630198). Invitae Evidence Modeling of protein sequence and biophysical properties (such as structural, functional, and spatial information, amino acid conservation, physicochemical variation, residue mobility, and thermodynamic stability) indicates that this missense variant is not expected to disrupt APC protein function with a negative predictive value of 95%. In summary, the available evidence is currently insufficient to determine the role of this variant in disease. Therefore, it has been classified as a Variant of Uncertain Significance.

Color Diagnostics, LLC DBA Color Health
Classification: Uncertain significance for Hereditary cancer-predisposing syndrome. Last evaluated: 2023-12-05. Review status: criteria provided, single submitter. Criteria: ACMG Guidelines, 2015. Collection method: clinical testing. Allele origin: germline.
Comment: This missense variant replaces alanine with valine at codon 2257 of the APC protein. Computational prediction suggests that this variant may not impact protein structure and function (internally defined REVEL score threshold <= 0.5, PMID: 27666373). To our knowledge, functional studies have not been reported for this variant. This variant has not been reported in individuals affected with APC-related disorders in the literature. This variant has been identified in 1/251010 chromosomes in the general population by the Genome Aggregation Database (gnomAD). The available evidence is insufficient to determine the role of this variant in disease conclusively. Therefore, this variant is classified as a Variant of Uncertain Significance.

Ambry Genetics
Classification: Uncertain significance for Hereditary cancer-predisposing syndrome. Last evaluated: 2019-09-17. Review status: criteria provided, single submitter. Criteria: Ambry Variant Classification Scheme 2023. Collection method: clinical testing. Allele origin: germline.
Comment: The p.A2257V variant (also known as c.6770C>T), located in coding exon 15 of the APC gene, results from a C to T substitution at nucleotide position 6770. The alanine at codon 2257 is replaced by valine, an amino acid with similar properties. This amino acid position is not well conserved in available vertebrate species. In addition, in silico predictors for this gene do not accurately predict pathogenicity. Since supporting evidence is limited at this time, the clinical significance of this alteration remains unclear.

NM_000038.6(APC):c.6770C>T (p.Ala2257Val)

Gene: APC (APC regulator of Wnt signaling pathway; plus strand). Cytogenetic location: 5q22.2.
Variant type: single nucleotide variant.
Coding change: c.6770C>T on transcript NM_000038.6 (MANE Select); coding-DNA position 6770, C replaced by T.
Protein change: p.Ala2257Val; replaces alanine 2257 with valine.
Molecular consequence: missense variant.
Genome position (GRCh38, 1-based): chr5:112,842,364, C>T. VCF-style: chr5-112842364-C-T. GRCh37 (hg19) VCF-style: chr5-112178061-C-T.
Other names: c.6770C>T, p.Ala2257Val (NM_001127510.3, NM_001354895.2); c.6716C>T, p.Ala2239Val (NM_001127511.3); c.6824C>T, p.Ala2275Val (NM_001354896.2); c.6800C>T, p.Ala2267Val (NM_001354897.2); c.6695C>T, p.Ala2232Val (NM_001354898.2); c.6686C>T, p.Ala2229Val (NM_001354899.2); c.6647C>T, p.Ala2216Val (NM_001354900.2); c.6593C>T, p.Ala2198Val (NM_001354901.2); and 5 more; short protein forms A2239V, A2257V, A1974V, A2131V, A2156V, A2166V, A2267V, A2097V.
Identifiers: ClinVar variation 630198 (VCV000630198.13), dbSNP rs762330941, ClinGen allele CA046065.